The following is an entry in ClinVar:

ClinVar aggregate classification (germline): Likely benign (1 of 4 stars; one submission).

Allele frequency attached by ClinVar (database versions not stated): gnomAD 0.00005; TOPMed 0.00012; 1000 Genomes Project 0.00060; 1000 Genomes Project 30x 0.00078.
gnomAD v4.1: 77 of 1,612,472 alleles (0.0048%); highest among the groups gnomAD compares: East Asian, 0.069%; 1 homozygote.

Submission:

CeGaT Center for Human Genetics Tuebingen
Classification: Likely benign. Last evaluated: 2022-06-01. Review status: criteria provided, single submitter. Criteria: CeGaT Center For Human Genetics Tuebingen Variant Classification Criteria Version 2. Collection method: clinical testing. Allele origin: germline. Affected: yes. Observed: 1 variant allele.
Comment: AHNAK2: BP4, BP7

NM_138420.4(AHNAK2):c.10023C>T (p.Asp3341=)

Gene: AHNAK2 (AHNAK nucleoprotein 2; minus strand). Cytogenetic location: 14q32.33.
Variant type: single nucleotide variant.
Coding change: c.10023C>T on transcript NM_138420.4 (MANE Select); coding-DNA position 10023, C replaced by T.
Protein change: p.Asp3341=; no amino-acid change (aspartic acid 3341 retained).
Molecular consequence: synonymous variant.
Genome position (GRCh38, 1-based): chr14:104,945,428, G>A on the plus strand (C>T on the coding strand, the complement: AHNAK2 is on the minus strand). VCF-style: chr14-104945428-G-A. GRCh37 (hg19) VCF-style: chr14-105411765-G-A.
Other names: c.9723C>T, p.Asp3241= (NM_001350929.2).
Identifiers: ClinVar variation 2644680 (VCV002644680.24), dbSNP rs201142029, ClinGen allele CA7379330.